The following is an entry in ClinVar:

NM_032119.4(ADGRV1):c.6289C>T (p.Arg2097Cys)

Gene: ADGRV1 (adhesion G protein-coupled receptor V1; plus strand). Cytogenetic location: 5q14.3.
Variant type: single nucleotide variant.
Coding change: c.6289C>T on transcript NM_032119.4 (MANE Select); coding-DNA position 6289, C replaced by T.
Protein change: p.Arg2097Cys; replaces arginine 2097 with cysteine.
Molecular consequence: missense variant. On other transcripts: non-coding transcript variant (1).
Genome position (GRCh38, 1-based): chr5:90,685,794, C>T. VCF-style: chr5-90685794-C-T. GRCh37 (hg19) VCF-style: chr5-89981611-C-T.
Other names: p.R2097C:CGT>TGT; short protein forms R2097C.
Identifiers: ClinVar variation 46350 (VCV000046350.25), dbSNP rs16868974, ClinGen allele CA138171.

ClinVar aggregate classification (germline): Benign. Review status: criteria provided, multiple submitters, no conflicts (2 of 4 stars). 7 submissions from 7 submitters: Benign (6). 1 of the submissions does not count toward it. Last evaluated 2026-02-04.

Conditions:
Usher syndrome type 2C. Also called: Usher syndrome, type 2B; USHER SYNDROME, TYPE IIC. Identifiers: Orphanet 231178, Orphanet 886, MedGen C2931213, MONDO:0011558, OMIM 605472.

Allele frequency attached by ClinVar (database versions not stated): gnomAD 0.03455; 1000 Genomes Project 0.03634; 1000 Genomes Project 30x 0.03654; ESP Exome Variant Server 0.04017; TOPMed 0.04085.
gnomAD v4.1: 26,214 of 1,607,292 alleles (1.6%); highest among the groups gnomAD compares: African/African-American, 10%; 537 homozygotes.

Submissions (7):

Labcorp Genetics (formerly Invitae), Labcorp
Classification: Benign. Last evaluated: 2026-02-04. Review status: criteria provided, single submitter. Criteria: Invitae Variant Classification Sherloc (09022015). Collection method: clinical testing. Allele origin: germline.

Athena Diagnostics
Classification: Benign. Last evaluated: 2024-06-04. Review status: criteria provided, single submitter. Criteria: Athena Diagnostics Criteria. Collection method: clinical testing. Allele origin: unknown.

Illumina Laboratory Services, Illumina
Classification: Benign for Usher syndrome type 2C. Last evaluated: 2018-01-13. Review status: criteria provided, single submitter. Criteria: ICSL Variant Classification Criteria 13 December 2019. Collection method: clinical testing. Allele origin: germline.
Comment: This variant was observed in the ICSL laboratory as part of a predisposition screen in an ostensibly healthy population. It had not been previously curated by ICSL or reported in the Human Gene Mutation Database (HGMD: prior to June 1st, 2018), and was therefore a candidate for classification through an automated scoring system. Utilizing variant allele frequency, disease prevalence and penetrance estimates, and inheritance mode, an automated score was calculated to assess if this variant is too frequent to cause the disease. Based on the score and internal cut-off values, a variant classified as benign is not then subjected to further curation. The score for this variant resulted in a classification of benign for this disease.

Eurofins Ntd Llc (ga)
Classification: Benign. Last evaluated: 2015-12-16. Review status: criteria provided, single submitter. Criteria: EGL Classification Definitions 2015. Collection method: clinical testing. Allele origin: germline. Observed: 1 variant allele, 1 heterozygote.

GeneDx
Classification: Benign. Last evaluated: 2013-05-02. Review status: criteria provided, single submitter. Criteria: GeneDx Variant Classification (06012015). Collection method: clinical testing. Allele origin: germline. Affected: yes.
Comment: This variant is considered likely benign or benign based on one or more of the following criteria: it is a conservative change, it occurs at a poorly conserved position in the protein, it is predicted to be benign by multiple in silico algorithms, and/or has population frequency not consistent with disease.

Laboratory for Molecular Medicine, Mass General Brigham Personalized Medicine
Classification: Benign. Last evaluated: 2012-05-14. Review status: criteria provided, single submitter. Criteria: LMM Criteria. Collection method: clinical testing. Allele origin: germline. Observed: 101 variant alleles.
Comment: Arg2097Cys in exon 29 of GPR98: This variant is not expected to have clinical si gnificance because it is has been identified in 1.3% (89/6626) of European Ameri can chromosomes and 10.0% (305/3030) of African American chromosomes from a broa d population by the NHLBI Exome sequencing project (/EVS/; dbSNP rs16868974).

Genetic Services Laboratory, University of Chicago
Classification: Likely benign. Review status: no assertion criteria provided. Collection method: clinical testing. Allele origin: germline. Inheritance: Autosomal dominant inheritance. Not counted in ClinVar's aggregate classification.
Comment: Likely benign based on allele frequency in 1000 Genomes Project or ESP global frequency and its presence in a patient with a rare or unrelated disease phenotype. NOT Sanger confirmed